The following is an entry in ClinVar:

ClinVar aggregate classification (germline): Uncertain significance (1 of 4 stars; one submission).

gnomAD v4.1: 4 of 1,609,260 alleles (0.00025%); highest among the groups gnomAD compares: Non-Finnish European, 0.00034%; no homozygotes.

Submission:

Labcorp Genetics (formerly Invitae), Labcorp
Classification: Uncertain significance. Last evaluated: 2024-06-02. Review status: criteria provided, single submitter. Criteria: Invitae Variant Classification Sherloc (09022015). Collection method: clinical testing. Allele origin: germline.
Comment: This sequence change replaces asparagine, which is neutral and polar, with serine, which is neutral and polar, at codon 1169 of the SI protein (p.Asn1169Ser). This variant is not present in population databases (gnomAD no frequency). This variant has not been reported in the literature in individuals affected with SI-related conditions. Advanced modeling of protein sequence and biophysical properties (such as structural, functional, and spatial information, amino acid conservation, physicochemical variation, residue mobility, and thermodynamic stability) has been performed at Invitae for this missense variant, however the output from this modeling did not meet the statistical confidence thresholds required to predict the impact of this variant on SI protein function. In summary, the available evidence is currently insufficient to determine the role of this variant in disease. Therefore, it has been classified as a Variant of Uncertain Significance.

NM_001041.4(SI):c.3506A>G (p.Asn1169Ser)

Gene: SI (sucrase-isomaltase; minus strand). Cytogenetic location: 3q26.1.
Variant type: single nucleotide variant.
Coding change: c.3506A>G on transcript NM_001041.4 (MANE Select); coding-DNA position 3506, A replaced by G.
Protein change: p.Asn1169Ser; replaces asparagine 1169 with serine.
Molecular consequence: missense variant.
Genome position (GRCh38, 1-based): chr3:165,017,984, T>C on the plus strand (A>G on the coding strand, the complement: SI is on the minus strand). VCF-style: chr3-165017984-T-C. GRCh37 (hg19) VCF-style: chr3-164735772-T-C.
Other names: short protein forms N1169S.
Identifiers: ClinVar variation 3673360 (VCV003673360.2).